The following is an entry in ClinVar:

ClinVar aggregate classification (germline): Uncertain significance. Review status: criteria provided, multiple submitters, no conflicts (2 of 4 stars). 2 submissions from 2 submitters: Uncertain significance (2). Last evaluated 2025-06-03.

Conditions:
Immunodeficiency 35 (IMD35). Also called: Susceptibility to infection due to TYK2 deficiency; HIES WITH ATYPICAL MYCOBACTERIOSIS, AUTOSOMAL RECESSIVE; HYPER-IgE SYNDROME WITH ATYPICAL MYCOBACTERIOSIS, AUTOSOMAL RECESSIVE; TYK2 DEFICIENCY. Identifiers: Orphanet 331226, MedGen C1969086, MONDO:0012682, OMIM 611521.
Inborn genetic diseases. Identifiers: MedGen C0950123, MeSH D030342.

Allele frequency attached by ClinVar (database versions not stated): TOPMed below 0.00001; gnomAD 0.00001; gnomAD exomes 0.00001.
gnomAD v4.1: 18 of 1,613,290 alleles (0.0011%); highest among the groups gnomAD compares: Middle Eastern, 0.049%; no homozygotes.

Submissions (2):

Ambry Genetics
Classification: Uncertain significance for Inborn genetic diseases. Last evaluated: 2025-06-03. Review status: criteria provided, single submitter. Criteria: Ambry Variant Classification Scheme 2023. Collection method: clinical testing. Allele origin: germline.

Labcorp Genetics (formerly Invitae), Labcorp
Classification: Uncertain significance for Immunodeficiency 35. Last evaluated: 2020-10-28. Review status: criteria provided, single submitter. Criteria: Invitae Variant Classification Sherloc (09022015). Collection method: clinical testing. Allele origin: germline.
Comment: Algorithms developed to predict the effect of missense changes on protein structure and function output the following: SIFT: "Not Available"; PolyPhen-2: "Benign"; Align-GVGD: "Not Available". The lysine amino acid residue is found in multiple mammalian species, suggesting that this missense change does not adversely affect protein function. These predictions have not been confirmed by published functional studies and their clinical significance is uncertain. In summary, the available evidence is currently insufficient to determine the role of this variant in disease. Therefore, it has been classified as a Variant of Uncertain Significance. This variant has not been reported in the literature in individuals with TYK2-related conditions. This variant is not present in population databases (ExAC no frequency). This sequence change replaces glutamic acid with lysine at codon 287 of the TYK2 protein (p.Glu287Lys). The glutamic acid residue is highly conserved and there is a small physicochemical difference between glutamic acid and lysine.

NM_003331.5(TYK2):c.859G>A (p.Glu287Lys)

Gene: TYK2 (tyrosine kinase 2; minus strand). Cytogenetic location: 19p13.2.
Variant type: single nucleotide variant.
Coding change: c.859G>A on transcript NM_003331.5 (MANE Select); coding-DNA position 859, G replaced by A.
Protein change: p.Glu287Lys; replaces glutamic acid 287 with lysine.
Molecular consequence: missense variant.
Genome position (GRCh38, 1-based): chr19:10,365,669, C>T on the plus strand (G>A on the coding strand, the complement: TYK2 is on the minus strand). VCF-style: chr19-10365669-C-T. GRCh37 (hg19) VCF-style: chr19-10476345-C-T.
Other names: c.859G>A, p.Glu287Lys (NM_001385197.1, NM_001385198.1, NM_001385199.1 and 7 more transcripts); c.769G>A, p.Glu257Lys (NM_001385205.1); c.859G>A (NM_003331.4); short protein forms E257K, E287K.
Identifiers: ClinVar variation 1058171 (VCV001058171.8), dbSNP rs1415920933, ClinGen allele CA404016587.